The following is an entry in ClinVar:

ClinVar aggregate classification (germline): Likely benign. Review status: criteria provided, multiple submitters, no conflicts (2 of 4 stars). 6 submissions from 6 submitters: Likely benign (6). Last evaluated 2026-05-01.

Allele frequency attached by ClinVar (database versions not stated): ExAC 0.00254; gnomAD exomes 0.00268 and 0.00339; ESP Exome Variant Server 0.00277; gnomAD 0.00277 and 0.00278; TOPMed 0.00296; 1000 Genomes Project 30x 0.00297; 1000 Genomes Project 0.00319.
gnomAD v4.1: 5,389 of 1,614,066 alleles (0.33%); highest among the groups gnomAD compares: Admixed American, 0.42%; 11 homozygotes.

Submissions (6):

CeGaT Center for Human Genetics Tuebingen
Classification: Likely benign. Last evaluated: 2026-05-01. Review status: criteria provided, single submitter. Criteria: CeGaT Center For Human Genetics Tuebingen Variant Classification Criteria Version 2. Collection method: clinical testing. Allele origin: germline. Affected: yes. Observed: 8 variant alleles.
Comment: TBC1D7: BS2

Labcorp Genetics (formerly Invitae), Labcorp
Classification: Likely benign. Last evaluated: 2026-01-27. Review status: criteria provided, single submitter. Criteria: Invitae Variant Classification Sherloc (09022015). Collection method: clinical testing. Allele origin: germline.

Blueprint Genetics
Classification: Likely benign. Last evaluated: 2024-11-22. Review status: criteria provided, single submitter. Criteria: ACMG Guidelines, 2015. Collection method: clinical testing. Allele origin: germline.

GeneDx
Classification: Likely benign. Last evaluated: 2023-06-06. Review status: criteria provided, single submitter. Criteria: GeneDx Variant Classification Process June 2021. Collection method: clinical testing. Allele origin: germline. Affected: yes.
Comment: See Variant Classification Assertion Criteria.

Genomic Diagnostic Laboratory, Division of Genomic Diagnostics, Children's Hospital of Philadelphia
Classification: Likely benign. Last evaluated: 2015-10-31. Review status: criteria provided, single submitter. Criteria: DGD Variant Analysis Guidelines. Collection method: clinical testing. Allele origin: unknown.

Breakthrough Genomics
Classification: Likely benign. Review status: criteria provided, single submitter. Criteria: ACMG Guidelines, 2015. Collection method: not provided. Allele origin: germline. Inheritance: Autosomal recessive inheritance. Affected: yes.

NM_016495.6(TBC1D7):c.413C>A (p.Ala138Asp)

Genes: TBC1D7 (TBC1 domain family member 7; minus strand), TBC1D7-LOC100130357 (TBC1D7-LOC100130357 readthrough; minus strand). Cytogenetic location: 6p24.1.
Variant type: single nucleotide variant.
Coding change: c.413C>A on transcript NM_016495.6 (MANE Select); coding-DNA position 413, C replaced by A.
Protein change: p.Ala138Asp; replaces alanine 138 with aspartic acid.
Molecular consequence: missense variant. On other transcripts: non-coding transcript variant (1), intron variant (1).
Genome position (GRCh38, 1-based): chr6:13,316,677, G>T on the plus strand (C>A on the coding strand, the complement: TBC1D7 is on the minus strand). VCF-style: chr6-13316677-G-T. GRCh37 (hg19) VCF-style: chr6-13316909-G-T.
Other names: c.413C>A, p.Ala138Asp (NM_001318809.2, NM_001143964.4, NM_001143965.4 and 1 more transcripts); c.332C>A, p.Ala111Asp (NM_001143966.4); c.381+4231C>A (NM_001258457.3); short protein forms A138D, A111D.
Identifiers: ClinVar variation 252706 (VCV000252706.49), dbSNP rs80189640, ClinGen allele CA3639751.